The following is an entry in ClinVar:

NM_000051.4(ATM):c.7939A>G (p.Ile2647Val)

Genes: C11orf65 (chromosome 11 open reading frame 65; minus strand), ATM (ATM serine/threonine kinase; plus strand). Cytogenetic location: 11q22.3.
Variant type: single nucleotide variant.
Coding change: c.7939A>G on transcript NM_000051.4 (MANE Select); coding-DNA position 7939, A replaced by G.
Protein change: p.Ile2647Val; replaces isoleucine 2647 with valine.
Molecular consequence: missense variant. On other transcripts: intron variant (2).
Genome position (GRCh38, 1-based): chr11:108,333,897, A>G. VCF-style: chr11-108333897-A-G. GRCh37 (hg19) VCF-style: chr11-108204624-A-G.
Other names: c.7939A>G, p.Ile2647Val (NM_001351834.2); c.641-24826T>C (NM_001330368.2); c.*38+1323T>C (NM_001351110.2); short protein forms I2647V.
Identifiers: ClinVar variation 2995033 (VCV002995033.3), dbSNP rs2136611471, ClinGen allele CA382561674.

ClinVar aggregate classification (germline): Uncertain significance (1 of 4 stars; one submission).

Conditions:
Ataxia-telangiectasia syndrome (AT). Also called: ATAXIA-TELANGIECTASIA, COMPLEMENTATION GROUP A; ATAXIA-TELANGIECTASIA, FRESNO VARIANT; Ataxia-telangiectasia; Ataxia-telangiectasia, complementation group E; LOUIS-BAR SYNDROME; Cerebello-oculocutaneous telangiectasia. Identifiers: Orphanet 100, MedGen C0004135, MONDO:0008840, OMIM 208900.

Submission:

Labcorp Genetics (formerly Invitae), Labcorp
Classification: Uncertain significance for Ataxia-telangiectasia syndrome. Last evaluated: 2024-09-29. Review status: criteria provided, single submitter. Criteria: Invitae Variant Classification Sherloc (09022015). Collection method: clinical testing. Allele origin: germline.
Comment: This sequence change replaces isoleucine, which is neutral and non-polar, with valine, which is neutral and non-polar, at codon 2647 of the ATM protein (p.Ile2647Val). This variant is not present in population databases (gnomAD no frequency). This variant has not been reported in the literature in individuals affected with ATM-related conditions. An algorithm developed to predict the effect of missense changes on protein structure and function (PolyPhen-2) suggests that this variant is likely to be disruptive. In summary, the available evidence is currently insufficient to determine the role of this variant in disease. Therefore, it has been classified as a Variant of Uncertain Significance.